The following is an entry in ClinVar:

NM_001378030.1(CCDC78):c.760G>A (p.Ala254Thr)

Gene: CCDC78 (coiled-coil domain containing 78; minus strand). Cytogenetic location: 16p13.3.
Variant type: single nucleotide variant.
Coding change: c.760G>A on transcript NM_001378030.1 (MANE Select); coding-DNA position 760, G replaced by A.
Protein change: p.Ala254Thr; replaces alanine 254 with threonine.
Molecular consequence: missense variant. On other transcripts: non-coding transcript variant (5), intron variant (1).
Genome position (GRCh38, 1-based): chr16:724,686, C>T on the plus strand (G>A on the coding strand, the complement: CCDC78 is on the minus strand). VCF-style: chr16-724686-C-T. GRCh37 (hg19) VCF-style: chr16-774686-C-T.
Other names: c.760G>A, p.Ala254Thr (NM_001031737.3, NM_001378031.1); c.199-177G>A (NM_001378033.1); short protein forms A254T.
Identifiers: ClinVar variation 1052541 (VCV001052541.9), dbSNP rs1338935088, ClinGen allele CA394100996.

ClinVar aggregate classification (germline): Uncertain significance (1 of 4 stars; one submission).

Conditions:
Congenital myopathy with internal nuclei and atypical cores. Also called: Myopathy, centronuclear, 4. Identifiers: Orphanet 319160, MedGen C4707232, MONDO:0013890, OMIM 614807.

Allele frequency attached by ClinVar (database versions not stated): gnomAD 0.00001; TOPMed 0.00001.

Submission:

Labcorp Genetics (formerly Invitae), Labcorp
Classification: Uncertain significance for Congenital myopathy with internal nuclei and atypical cores. Last evaluated: 2023-08-06. Review status: criteria provided, single submitter. Criteria: Invitae Variant Classification Sherloc (09022015). Collection method: clinical testing. Allele origin: germline.
Comment: This sequence change replaces alanine, which is neutral and non-polar, with threonine, which is neutral and polar, at codon 254 of the CCDC78 protein (p.Ala254Thr). This variant is present in population databases (no rsID available, gnomAD 0.01%). This variant has not been reported in the literature in individuals affected with CCDC78-related conditions. ClinVar contains an entry for this variant (Variation ID: 1052541). Advanced modeling of protein sequence and biophysical properties (such as structural, functional, and spatial information, amino acid conservation, physicochemical variation, residue mobility, and thermodynamic stability) performed at Invitae indicates that this missense variant is not expected to disrupt CCDC78 protein function. In summary, the available evidence is currently insufficient to determine the role of this variant in disease. Therefore, it has been classified as a Variant of Uncertain Significance.